The following is an entry in ClinVar:

NM_001164508.2(NEB):c.24202A>G (p.Ser8068Gly)

Genes: RIF1 (replication timing regulatory factor 1; plus strand), NEB (nebulin; minus strand). Cytogenetic location: 2q23.3.
Variant type: single nucleotide variant.
Coding change: c.24202A>G on transcript NM_001164508.2 (MANE Select); coding-DNA position 24202, A replaced by G.
Protein change: p.Ser8068Gly; replaces serine 8068 with glycine.
Molecular consequence: missense variant. On other transcripts: intron variant (1).
Genome position (GRCh38, 1-based): chr2:151,498,265, T>C on the plus strand (A>G on the coding strand, the complement: NEB is on the minus strand). VCF-style: chr2-151498265-T-C. GRCh37 (hg19) VCF-style: chr2-152354779-T-C.
Other names: c.24202A>G, p.Ser8068Gly (NM_001164507.2); c.24307A>G, p.Ser8103Gly (NM_001271208.2); c.18826-1897A>G (NM_004543.5); short protein forms S8103G, S8068G.
Identifiers: ClinVar variation 513660 (VCV000513660.1), dbSNP rs897454282, ClinGen allele CA57669458.
Genomic context (GRCh38, chr2:151,498,265, plus strand): 5'-GATCAGTTTAATTCTGAAGTTAAGTGGCATTTTTTCCCCTTTCTTTCCAAAATACCGAGC[T>C]AAGGTTTTCTTGATTGTGTTTGACTCTCTGCATCTCAGGAGTGATGGGGATTGGAATTCC-3'
Protein context (NP_001157980.2, residues 8058-8078): QRVKHNQENL[Ser8068Gly]SVLYKENMGK

ClinVar aggregate classification (germline): Likely benign (1 of 4 stars; one submission).

Allele frequency attached by ClinVar (database versions not stated): gnomAD exomes 0.00001; gnomAD 0.00001; TOPMed 0.00001 and 0.00002.
gnomAD v4.1: 6 of 1,551,342 alleles (0.00039%); highest among the groups gnomAD compares: African/African-American, 0.0014%; no homozygotes.

Submission:

GeneDx
Classification: Likely benign. Last evaluated: 2017-11-24. Review status: criteria provided, single submitter. Criteria: GeneDx Variant Classification (06012015). Collection method: clinical testing. Allele origin: germline. Affected: yes.
Comment: This variant is considered likely benign or benign based on one or more of the following criteria: it is a conservative change, it occurs at a poorly conserved position in the protein, it is predicted to be benign by multiple in silico algorithms, and/or has population frequency not consistent with disease.